The following is an entry in ClinVar:

ClinVar aggregate classification (germline): Uncertain significance (1 of 4 stars; one submission).

Conditions:
Inborn genetic diseases. Identifiers: MedGen C0950123, MeSH D030342.

gnomAD v4.1: 4 of 1,613,820 alleles (0.00025%); highest among the groups gnomAD compares: African/African-American, 0.0053%; no homozygotes.

Submission:

Ambry Genetics
Classification: Uncertain significance for Inborn genetic diseases. Last evaluated: 2024-12-12. Review status: criteria provided, single submitter. Criteria: Ambry Variant Classification Scheme 2023. Collection method: clinical testing. Allele origin: germline.
Comment: The p.S678L variant (also known as c.2033C>T), located in coding exon 1 of the SAMD9 gene, results from a C to T substitution at nucleotide position 2033. The serine at codon 678 is replaced by leucine, an amino acid with dissimilar properties. This amino acid position is conserved. In addition, this alteration is predicted to be tolerated by in silico analysis. Based on the available evidence, the clinical significance of this variant remains unclear.

NM_017654.4(SAMD9):c.2033C>T (p.Ser678Leu)

Gene: SAMD9 (sterile alpha motif domain containing 9; minus strand). Cytogenetic location: 7q21.2.
Variant type: single nucleotide variant.
Coding change: c.2033C>T on transcript NM_017654.4 (MANE Select); coding-DNA position 2033, C replaced by T.
Protein change: p.Ser678Leu; replaces serine 678 with leucine.
Molecular consequence: missense variant.
Genome position (GRCh38, 1-based): chr7:93,104,065, G>A on the plus strand (C>T on the coding strand, the complement: SAMD9 is on the minus strand). VCF-style: chr7-93104065-G-A. GRCh37 (hg19) VCF-style: chr7-92733378-G-A.
Other names: c.2033C>T, p.Ser678Leu (NM_001193307.2); short protein forms S678L.
Identifiers: ClinVar variation 3791898 (VCV003791898.1).